The following is an entry in ClinVar:

ClinVar aggregate classification (germline): Uncertain significance. Review status: criteria provided, single submitter (1 of 4 stars). 2 submissions from 2 submitters: Uncertain significance (1). 1 of the submissions does not count toward it. Last evaluated 2022-02-18.

Conditions:
Familial isolated deficiency of vitamin E (AVED). Also called: ATAXIA, FRIEDREICH-LIKE, WITH SELECTIVE VITAMIN E DEFICIENCY; Ataxia with isolated vitamin E deficiency. Identifiers: Orphanet 96, MedGen C1848533, MONDO:0010188, OMIM 277460.

Submissions (2):

Women's Health and Genetics/Laboratory Corporation of America, LabCorp
Classification: Uncertain significance. Last evaluated: 2022-02-18. Review status: criteria provided, single submitter. Criteria: LabCorp Variant Classification Summary - May 2015. Collection method: clinical testing. Allele origin: germline.
Comment: Variant summary: TTPA c.92T>A (p.Leu31Gln) results in a non-conservative amino acid change in the encoded protein sequence. Five of five in-silico tools predict a damaging effect of the variant on protein function. The variant was absent in 116660 control chromosomes. The available data on variant occurrences in the general population are insufficient to allow any conclusion about variant significance. To our knowledge, no occurrence of c.92T>A in individuals affected with Ataxia With Vitamin E Deficiency and no experimental evidence demonstrating its impact on protein function have been reported. No clinical diagnostic laboratories have submitted clinical-significance assessments for this variant to ClinVar after 2014. Based on the evidence outlined above, the variant was classified as uncertain significance.

Natera, Inc.
Classification: Uncertain significance for Ataxia with isolated vitamin E deficiency. Last evaluated: 2025-03-06. Review status: no assertion criteria provided. Collection method: clinical testing. Allele origin: germline. Not counted in ClinVar's aggregate classification.

NM_000370.3(TTPA):c.92T>A (p.Leu31Gln)

Gene: TTPA (alpha tocopherol transfer protein; minus strand). Cytogenetic location: 8q12.3.
Variant type: single nucleotide variant.
Coding change: c.92T>A on transcript NM_000370.3 (MANE Select); coding-DNA position 92, T replaced by A.
Protein change: p.Leu31Gln; replaces leucine 31 with glutamine.
Molecular consequence: missense variant.
Genome position (GRCh38, 1-based): chr8:63,085,930, A>T on the plus strand (T>A on the coding strand, the complement: TTPA is on the minus strand). VCF-style: chr8-63085930-A-T. GRCh37 (hg19) VCF-style: chr8-63998489-A-T.
Other names: short protein forms L31Q.
Identifiers: ClinVar variation 1343471 (VCV001343471.2), dbSNP rs2129796215, ClinGen allele CA371403562.